The following is an entry in ClinVar:

ClinVar aggregate classification (germline): Likely benign. Review status: criteria provided, multiple submitters, no conflicts (2 of 4 stars). 2 submissions from 2 submitters: Likely benign (2). Last evaluated 2025-01-08.

Conditions:
ADGRV1-related disorder. Also called: ADGRV1-related condition; ADGRV1-related disorders.

Allele frequency attached by ClinVar (database versions not stated): TOPMed below 0.00001.

Submissions (2):

PreventionGenetics, part of Exact Sciences
Classification: Likely benign for ADGRV1-related condition. Last evaluated: 2025-01-08. Review status: criteria provided, single submitter. Criteria: ACMG Guidelines, 2015. Collection method: clinical testing. Allele origin: germline.
Comment: This variant is classified as likely benign based on ACMG/AMP sequence variant interpretation guidelines (Richards et al. 2015 PMID: 25741868, with internal and published modifications).

Labcorp Genetics (formerly Invitae), Labcorp
Classification: Likely benign. Last evaluated: 2023-09-13. Review status: criteria provided, single submitter. Criteria: Invitae Variant Classification Sherloc (09022015). Collection method: clinical testing. Allele origin: germline.

NM_032119.4(ADGRV1):c.17826T>C (p.Thr5942=)

Gene: ADGRV1 (adhesion G protein-coupled receptor V1; plus strand). Cytogenetic location: 5q14.3.
Variant type: single nucleotide variant.
Coding change: c.17826T>C on transcript NM_032119.4 (MANE Select); coding-DNA position 17826, T replaced by C.
Protein change: p.Thr5942=; no amino-acid change (threonine 5942 retained).
Molecular consequence: synonymous variant. On other transcripts: non-coding transcript variant (1).
Genome position (GRCh38, 1-based): chr5:90,863,827, T>C. VCF-style: chr5-90863827-T-C. GRCh37 (hg19) VCF-style: chr5-90159644-T-C.
Other names: c.17826T>C (NM_032119.3).
Identifiers: ClinVar variation 2790267 (VCV002790267.4), dbSNP rs1767836005, ClinGen allele CA445438499.